The following is an entry in ClinVar:

NM_173628.4(DNAH17):c.7020dup (p.Asp2341fs)

Genes: DNAH17 (dynein axonemal heavy chain 17; minus strand), DNAH17-AS1 (DNAH17 antisense RNA 1; plus strand). Cytogenetic location: 17q25.3.
Variant type: Duplication.
Coding change: c.7020dup on transcript NM_173628.4 (MANE Select); coding-DNA position 7020, one base duplicated (C; older notation c.7020dupC).
Protein change: p.Asp2341fs; shifts the reading frame from aspartic acid 2341.
Molecular consequence: frameshift variant.
Genome position (GRCh38, 1-based): chr17:78,486,305, G duplicated on the plus strand (C on the coding strand, the reverse complement: DNAH17 is on the minus strand); the first of 6 consecutive G bases (chr17:78,486,305-78,486,310); duplicating any one gives the same sequence. VCF-style (leftmost placement, unchanged base first): chr17-78486304-C-CG. GRCh37 (hg19) VCF-style: chr17-76482386-C-CG.
Other names: short protein forms D2341fs.
Identifiers: ClinVar variation 3075982 (VCV003075982.1), dbSNP rs769976401, ClinGen allele CA8802517.

ClinVar aggregate classification (germline): Likely pathogenic (1 of 4 stars; one submission).

Conditions:
Male infertility with spermatogenesis disorder. Identifiers: Orphanet 399775, MedGen C5681167, MONDO:0018391.

Submission:

Laboratory for Molecular Medicine, Mass General Brigham Personalized Medicine
Classification: Likely pathogenic for Male infertility with spermatogenesis disorder. Last evaluated: 2024-02-28. Review status: criteria provided, single submitter. Criteria: ACMG Guidelines, 2015. Collection method: clinical testing. Allele origin: germline. Inheritance: Autosomal recessive inheritance.
Comment: The p.Asp2341ArgfsX37 variant in DNAH17 has not been previously reported in individuals with asthenozoospermia nor in large population studies (gnomAD v.3.1.2). This variant is predicted to cause a frameshift, which alters the protein’s amino acid sequence beginning at position 2341 and leads to a premature termination codon 37 amino acids downstream. This alteration is then predicted to lead to a truncated or absent protein. Loss of function variants in the DNAH17 gene have been reported in individuals with autosomal recessive asthenozoospermia that show absence of DNHD17 and extremely distorted axonemal structures in the sperm flagella (Zhang 2021 PMID: 33070343, Whitfield 2019 PMID: 31178125). Additionally, knockout mouse models have shown that mice without DNHD17 had infertility with decreased sperm concentration and motility rate and abnormal sperm flagella, recapitulating the human phenotype (Zhang 2021 PMID: 33070343). In summary, although additional studies are required to fully establish its clinical significance, this variant meets criteria to be classified as likely pathogenic for autosomal recessive asthenozoospermia. ACMG/AMP Criteria applied: PVS1, PM2_Supporting.